The following is an entry in ClinVar:

NM_002858.4(ABCD3):c.1873C>A (p.His625Asn)

Gene: ABCD3 (ATP binding cassette subfamily D member 3; plus strand). Cytogenetic location: 1p21.3.
Variant type: single nucleotide variant.
Coding change: c.1873C>A on transcript NM_002858.4 (MANE Select); coding-DNA position 1873, C replaced by A.
Protein change: p.His625Asn; replaces histidine 625 with asparagine.
Molecular consequence: missense variant.
Genome position (GRCh38, 1-based): chr1:94,515,173, C>A. VCF-style: chr1-94515173-C-A. GRCh37 (hg19) VCF-style: chr1-94980729-C-A.
Other names: short protein forms H625N.
Identifiers: ClinVar variation 3706993 (VCV003706993.2).
Genomic context (GRCh38, chr1:94,515,173, plus strand): 5'-CTCATTAAACCTAAATCATTTTCTTTGTATTAGGTTGGCATCACTCTCTTCACTGTGTCT[C>A]ATAGGAAATCTCTTTGGAAACATCATGAGGTTTGTATTTCTTTCATTGAATGGTACAGTG-3'
Protein context (NP_002849.1, residues 615-635): KVGITLFTVS[His625Asn]RKSLWKHHEY

ClinVar aggregate classification (germline): Uncertain significance (1 of 4 stars; one submission).

Submission:

Labcorp Genetics (formerly Invitae), Labcorp
Classification: Uncertain significance. Last evaluated: 2024-09-11. Review status: criteria provided, single submitter. Criteria: Invitae Variant Classification Sherloc (09022015). Collection method: clinical testing. Allele origin: germline.
Comment: This sequence change replaces histidine, which is basic and polar, with asparagine, which is neutral and polar, at codon 625 of the ABCD3 protein (p.His625Asn). This variant is not present in population databases (gnomAD no frequency). This variant has not been reported in the literature in individuals affected with ABCD3-related conditions. An algorithm developed to predict the effect of missense changes on protein structure and function (PolyPhen-2) suggests that this variant is likely to be disruptive. In summary, the available evidence is currently insufficient to determine the role of this variant in disease. Therefore, it has been classified as a Variant of Uncertain Significance.